The following is an entry in ClinVar:

NM_001999.4(FBN2):c.4178G>C (p.Cys1393Ser)

Gene: FBN2 (fibrillin 2; minus strand). Cytogenetic location: 5q23.3.
Variant type: single nucleotide variant.
Coding change: c.4178G>C on transcript NM_001999.4 (MANE Select); coding-DNA position 4178, G replaced by C.
Protein change: p.Cys1393Ser; replaces cysteine 1393 with serine.
Molecular consequence: missense variant.
Genome position (GRCh38, 1-based): chr5:128,332,956, C>G on the plus strand (G>C on the coding strand, the complement: FBN2 is on the minus strand). VCF-style: chr5-128332956-C-G. GRCh37 (hg19) VCF-style: chr5-127668648-C-G.
Other names: short protein forms C1393S.
Identifiers: ClinVar variation 3777285 (VCV003777285.1).

ClinVar aggregate classification (germline): Uncertain significance (1 of 4 stars; one submission).

Submission:

GeneDx
Classification: Uncertain significance. Last evaluated: 2024-10-14. Review status: criteria provided, single submitter. Criteria: GeneDx Variant Classification Process June 2021. Collection method: clinical testing. Allele origin: germline. Affected: yes.
Comment: Not observed at significant frequency in large population cohorts (gnomAD); In silico analysis supports that this missense variant has a deleterious effect on protein structure/function; Has not been previously published as pathogenic or benign to our knowledge; This variant is associated with the following publications: (PMID: 19006240, 18767143)